The following is an entry in ClinVar:

NM_001008537.3(NEXMIF):c.2260T>C (p.Ser754Pro)

Gene: NEXMIF (neurite extension and migration factor; minus strand). Cytogenetic location: Xq13.3.
Variant type: single nucleotide variant.
Coding change: c.2260T>C on transcript NM_001008537.3 (MANE Select); coding-DNA position 2260, T replaced by C.
Protein change: p.Ser754Pro; replaces serine 754 with proline.
Molecular consequence: missense variant.
Genome position (GRCh38, 1-based): chrX:74,742,297, A>G on the plus strand (T>C on the coding strand, the complement: NEXMIF is on the minus strand). VCF-style: chrX-74742297-A-G. GRCh37 (hg19) VCF-style: chrX-73962132-A-G.
Other names: c.2260T>C (NM_001008537.2); short protein forms S754P.
Identifiers: ClinVar variation 1481606 (VCV001481606.10), dbSNP rs752311812, ClinGen allele CA10455063.

ClinVar aggregate classification (germline): Conflicting classifications of pathogenicity. Review status: criteria provided, conflicting classifications (1 of 4 stars). 3 submissions from 3 submitters: Uncertain significance (1); Likely benign (2). Last evaluated 2026-08-02.

Conditions:
NEXMIF-related disorder. Also called: NEXMIF-related condition.

Allele frequency attached by ClinVar (database versions not stated): gnomAD exomes below 0.00001 and 0.00002; ExAC 0.00003.
gnomAD v4.1: 5 of 1,211,621 alleles (0.00041%); highest among the groups gnomAD compares: East Asian, 0.012%; no homozygotes.

Submissions (3):

PreventionGenetics, part of Exact Sciences
Classification: Likely benign for NEXMIF-related condition. Last evaluated: 2026-08-02. Review status: criteria provided, single submitter. Criteria: ACMG Guidelines, 2015. Collection method: clinical testing. Allele origin: germline.
Comment: This variant is classified as likely benign based on ACMG/AMP sequence variant interpretation guidelines (Richards et al. 2015 PMID: 25741868, with internal and published modifications).

Labcorp Genetics (formerly Invitae), Labcorp
Classification: Uncertain significance. Last evaluated: 2023-12-18. Review status: criteria provided, single submitter. Criteria: Invitae Variant Classification Sherloc (09022015). Collection method: clinical testing. Allele origin: germline.
Comment: This sequence change replaces serine, which is neutral and polar, with proline, which is neutral and non-polar, at codon 754 of the NEXMIF protein (p.Ser754Pro). This variant is present in population databases (rs752311812, gnomAD 0.02%), including at least one homozygous and/or hemizygous individual. This variant has not been reported in the literature in individuals affected with NEXMIF-related conditions. ClinVar contains an entry for this variant (Variation ID: 1481606). Algorithms developed to predict the effect of missense changes on protein structure and function output the following: SIFT: "Not Available"; PolyPhen-2: "Benign"; Align-GVGD: "Not Available". The proline amino acid residue is found in multiple mammalian species, which suggests that this missense change does not adversely affect protein function. In summary, the available evidence is currently insufficient to determine the role of this variant in disease. Therefore, it has been classified as a Variant of Uncertain Significance.

Blueprint Genetics
Classification: Likely benign. Last evaluated: 2019-08-25. Review status: criteria provided, single submitter. Criteria: ACMG Guidelines, 2015. Collection method: clinical testing. Allele origin: germline.